The following is an entry in ClinVar:

NM_000081.4(LYST):c.3834G>A (p.Leu1278=)

Gene: LYST (lysosomal trafficking regulator; minus strand). Cytogenetic location: 1q42.3.
Variant type: single nucleotide variant.
Coding change: c.3834G>A on transcript NM_000081.4 (MANE Select); coding-DNA position 3834, G replaced by A.
Protein change: p.Leu1278=; no amino-acid change (leucine 1278 retained).
Molecular consequence: synonymous variant.
Genome position (GRCh38, 1-based): chr1:235,800,976, C>T on the plus strand (G>A on the coding strand, the complement: LYST is on the minus strand). VCF-style: chr1-235800976-C-T. GRCh37 (hg19) VCF-style: chr1-235964276-C-T.
Other names: p.Leu1278=; c.3834G>A, p.Leu1278= (NM_001301365.1).
Identifiers: ClinVar variation 296400 (VCV000296400.17), dbSNP rs148542548, ClinGen allele CA1466982.

ClinVar aggregate classification (germline): Conflicting classifications of pathogenicity. Review status: criteria provided, conflicting classifications (1 of 4 stars). 4 submissions from 4 submitters: Uncertain significance (1); Likely benign (2). 1 of the submissions does not count toward it. Last evaluated 2026-01-25.

Conditions:
LYST-related disorder. Also called: LYST-related condition.
Chédiak-Higashi syndrome (CHS). Also called: Chediak-Higashi Syndrome. Identifiers: Orphanet 167, MedGen C0007965, MONDO:0008963, OMIM 214500.

Allele frequency attached by ClinVar (database versions not stated): gnomAD exomes 0.00004; TOPMed 0.00005; ExAC 0.00006; gnomAD 0.00006; ESP Exome Variant Server 0.00023.
gnomAD v4.1: 160 of 1,613,498 alleles (0.0099%); highest among the groups gnomAD compares: Non-Finnish European, 0.013%; no homozygotes.

Submissions (4):

Labcorp Genetics (formerly Invitae), Labcorp
Classification: Likely benign for Chédiak-Higashi syndrome. Last evaluated: 2026-01-25. Review status: criteria provided, single submitter. Criteria: Invitae Variant Classification Sherloc (09022015). Collection method: clinical testing. Allele origin: germline.

Mayo Clinic Laboratories, Mayo Clinic
Classification: Likely benign. Last evaluated: 2025-09-11. Review status: criteria provided, single submitter. Criteria: ACMG Guidelines, 2015. Collection method: clinical testing. Allele origin: germline. Observed: 1 variant allele.
Comment: BP4, BP7

Illumina Laboratory Services, Illumina
Classification: Uncertain significance for Chédiak-Higashi syndrome. Last evaluated: 2018-01-12. Review status: criteria provided, single submitter. Criteria: ICSL Variant Classification Criteria 13 December 2019. Collection method: clinical testing. Allele origin: germline.

PreventionGenetics, part of Exact Sciences
Classification: Likely benign for LYST-related condition. Last evaluated: 2019-11-27. Review status: no assertion criteria provided. Collection method: clinical testing. Allele origin: germline. Not counted in ClinVar's aggregate classification.
Comment: This variant is classified as likely benign based on ACMG/AMP sequence variant interpretation guidelines (Richards et al. 2015 PMID: 25741868, with internal and published modifications).